The following is an entry in ClinVar:

ClinVar aggregate classification (germline): Uncertain significance (1 of 4 stars; one submission).

Conditions:
Neuropathy, hereditary sensory and autonomic, type 2A (HSAN2A). Also called: MORVAN DISEASE; NEUROPATHY, CONGENITAL SENSORY; NEUROPATHY, HEREDITARY SENSORY RADICULAR, AUTOSOMAL RECESSIVE; NEUROPATHY, HEREDITARY SENSORY, TYPE IIA; NEUROPATHY, PROGRESSIVE SENSORY, OF CHILDREN; WNK1-Related HSAN2 (HSAN2A). Identifiers: Orphanet 970, MedGen C2752089, MONDO:0024309, OMIM 201300.
Generalized epilepsy with febrile seizures plus, type 7 (GEFSP7). Also called: GEFS+, TYPE 7. Identifiers: Orphanet 36387, MedGen C2751778, MONDO:0013470, OMIM 613863.

Submission:

Labcorp Genetics (formerly Invitae), Labcorp
Classification: Uncertain significance for Neuropathy, hereditary sensory and autonomic, type 2A; Generalized epilepsy with febrile seizures plus, type 7. Last evaluated: 2023-10-17. Review status: criteria provided, single submitter. Criteria: Invitae Variant Classification Sherloc (09022015). Collection method: clinical testing. Allele origin: germline.
Comment: This sequence change replaces phenylalanine, which is neutral and non-polar, with serine, which is neutral and polar, at codon 1360 of the SCN9A protein (p.Phe1360Ser). This variant is not present in population databases (gnomAD no frequency). This variant has not been reported in the literature in individuals affected with SCN9A-related conditions. ClinVar contains an entry for this variant (Variation ID: 1026330). Advanced modeling of protein sequence and biophysical properties (such as structural, functional, and spatial information, amino acid conservation, physicochemical variation, residue mobility, and thermodynamic stability) performed at Invitae indicates that this missense variant is not expected to disrupt SCN9A protein function. In summary, the available evidence is currently insufficient to determine the role of this variant in disease. Therefore, it has been classified as a Variant of Uncertain Significance.

NM_001365536.1(SCN9A):c.4112T>C (p.Phe1371Ser)

Genes: SCN1A-AS1 (SCN1A and SCN9A antisense RNA 1; plus strand), SCN9A (sodium voltage-gated channel alpha subunit 9; minus strand). Cytogenetic location: 2q24.3.
Variant type: single nucleotide variant.
Coding change: c.4112T>C on transcript NM_001365536.1 (MANE Select); coding-DNA position 4112, T replaced by C.
Protein change: p.Phe1371Ser; replaces phenylalanine 1371 with serine.
Molecular consequence: missense variant.
Genome position (GRCh38, 1-based): chr2:166,228,785, A>G on the plus strand (T>C on the coding strand, the complement: SCN9A is on the minus strand). VCF-style: chr2-166228785-A-G. GRCh37 (hg19) VCF-style: chr2-167085295-A-G.
Other names: c.4079T>C, p.Phe1360Ser (NM_002977.4); short protein forms F1360S, F1371S.
Identifiers: ClinVar variation 1026330 (VCV001026330.9), dbSNP rs1694956942, ClinGen allele CA349063539.
Genomic context (GRCh38, chr2:166,228,785, plus strand): 5'-TTATCAAAGTTCACTTTCAGGTTTTTCCATCGCACATTTTGACTAACATTCATAAGGGCA[A>G]AACATTCGGAACGATTTGGAACTTGACTTGCAGGAAACCGTGACCCATCTGTGGTGTTAA-3'
Protein context (NP_001352465.1, residues 1361-1381): ASQVPNRSEC[Phe1371Ser]ALMNVSQNVR